The following is an entry in ClinVar:

ClinVar aggregate classification (germline): Uncertain significance (1 of 4 stars; one submission).

Conditions:
Dilated cardiomyopathy 1O (CMD1O). Also called: CARDIOMYOPATHY, DILATED, WITH VENTRICULAR TACHYCARDIA. Identifiers: Orphanet 154, MedGen C1837839, MONDO:0012062, OMIM 608569.

Allele frequency attached by ClinVar (database versions not stated): TOPMed below 0.00001.

Submission:

Labcorp Genetics (formerly Invitae), Labcorp
Classification: Uncertain significance for Dilated cardiomyopathy 1O. Last evaluated: 2023-01-02. Review status: criteria provided, single submitter. Criteria: Invitae Variant Classification Sherloc (09022015). Collection method: clinical testing. Allele origin: germline.
Comment: In summary, the available evidence is currently insufficient to determine the role of this variant in disease. Therefore, it has been classified as a Variant of Uncertain Significance. Variants that disrupt the consensus splice site are a relatively common cause of aberrant splicing (PMID: 17576681, 9536098). Algorithms developed to predict the effect of sequence changes on RNA splicing suggest that this variant may disrupt the consensus splice site. This variant has not been reported in the literature in individuals affected with ABCC9-related conditions. This variant is not present in population databases (gnomAD no frequency). This sequence change falls in intron 27 of the ABCC9 gene. It does not directly change the encoded amino acid sequence of the ABCC9 protein. It affects a nucleotide within the consensus splice site.

Literature cited by the submitters: PubMed 17576681; PubMed 9536098.

NM_020297.4(ABCC9):c.3473+6T>A

Gene: ABCC9 (ATP binding cassette subfamily C member 9; minus strand). Cytogenetic location: 12p12.1.
Variant type: single nucleotide variant.
Coding change: c.3473+6T>A on transcript NM_020297.4 (MANE Select); 6 bases into the intron after coding-DNA position 3473, T replaced by A.
Molecular consequence: intron variant.
Genome position (GRCh38, 1-based): chr12:21,842,308, A>T on the plus strand (T>A on the coding strand, the complement: ABCC9 is on the minus strand). VCF-style: chr12-21842308-A-T. GRCh37 (hg19) VCF-style: chr12-21995242-A-T.
Other names: c.2606+6T>A (NM_001377274.1); c.3473+6T>A (NM_005691.4, NM_001377273.1).
Identifiers: ClinVar variation 2825922 (VCV002825922.3), dbSNP rs1944432175, ClinGen allele CA2021311700.
Genomic context (GRCh38, chr12:21,842,308, plus strand): 5'-CCCATGAATAGAGAGGGCTGACTGTAGATAAGCTTTTGAAAATGAGTGGGATGCTGTTTT[A>T]CTTACTTAGAGGCAACCCGAAAGTATTTCTGGATAAAATAAAAGGCAACACCAAGGGGCA-3'